The following is an entry in ClinVar:

NM_030665.4(RAI1):c.422A>G (p.Tyr141Cys)

Gene: RAI1 (retinoic acid induced 1; plus strand). Cytogenetic location: 17p11.2.
Variant type: single nucleotide variant.
Coding change: c.422A>G on transcript NM_030665.4 (MANE Select); coding-DNA position 422, A replaced by G.
Protein change: p.Tyr141Cys; replaces tyrosine 141 with cysteine.
Molecular consequence: missense variant.
Genome position (GRCh38, 1-based): chr17:17,793,370, A>G. VCF-style: chr17-17793370-A-G. GRCh37 (hg19) VCF-style: chr17-17696684-A-G.
Other names: short protein forms Y141C.
Identifiers: ClinVar variation 5040676 (VCV005040676.1).

ClinVar aggregate classification (germline): Uncertain significance (1 of 4 stars; one submission).

Submission:

CeGaT Center for Human Genetics Tuebingen
Classification: Uncertain significance. Last evaluated: 2026-08-01. Review status: criteria provided, single submitter. Criteria: CeGaT Center For Human Genetics Tuebingen Variant Classification Criteria Version 2. Collection method: clinical testing. Allele origin: germline. Affected: yes. Observed: 1 variant allele.
Comment: RAI1: PM2, PP3